The following is an entry in ClinVar:

ClinVar aggregate classification (germline): Uncertain significance. Review status: criteria provided, multiple submitters, no conflicts (2 of 4 stars). 3 submissions from 3 submitters: Uncertain significance (3). Last evaluated 2023-12-08.

Conditions:
Inborn genetic diseases. Identifiers: MedGen C0950123, MeSH D030342.
Ullrich congenital muscular dystrophy 2 (UCMD2). Identifiers: Orphanet 75840, MedGen C4225314, MONDO:0014654, OMIM 616470.
Bethlem myopathy 2 (BTHLM2). Identifiers: Orphanet 536516, Orphanet 610, MedGen C4225313, MONDO:0034022, OMIM 616471.

Allele frequency attached by ClinVar (database versions not stated): TOPMed 0.00001.

Submissions (3):

GeneDx
Classification: Uncertain significance. Last evaluated: 2023-12-08. Review status: criteria provided, single submitter. Criteria: GeneDx Variant Classification Process June 2021. Collection method: clinical testing. Allele origin: germline. Affected: yes.
Comment: Not observed at significant frequency in large population cohorts (gnomAD); In silico analysis supports that this missense variant does not alter protein structure/function; Has not been previously published as pathogenic or benign to our knowledge

Labcorp Genetics (formerly Invitae), Labcorp
Classification: Uncertain significance for Bethlem myopathy 2; Ullrich congenital muscular dystrophy 2. Last evaluated: 2023-08-25. Review status: criteria provided, single submitter. Criteria: Invitae Variant Classification Sherloc (09022015). Collection method: clinical testing. Allele origin: germline.
Comment: This sequence change replaces threonine, which is neutral and polar, with alanine, which is neutral and non-polar, at codon 1725 of the COL12A1 protein (p.Thr1725Ala). This variant is not present in population databases (gnomAD no frequency). This variant has not been reported in the literature in individuals affected with COL12A1-related conditions. ClinVar contains an entry for this variant (Variation ID: 2298819). Advanced modeling of protein sequence and biophysical properties (such as structural, functional, and spatial information, amino acid conservation, physicochemical variation, residue mobility, and thermodynamic stability) performed at Invitae indicates that this missense variant is not expected to disrupt COL12A1 protein function. In summary, the available evidence is currently insufficient to determine the role of this variant in disease. Therefore, it has been classified as a Variant of Uncertain Significance.

Ambry Genetics
Classification: Uncertain significance for Inborn genetic diseases. Last evaluated: 2022-06-29. Review status: criteria provided, single submitter. Criteria: Ambry Variant Classification Scheme 2023. Collection method: clinical testing. Allele origin: germline.

NM_004370.6(COL12A1):c.5173A>G (p.Thr1725Ala)

Gene: COL12A1 (collagen type XII alpha 1 chain; minus strand). Cytogenetic location: 6q13.
Variant type: single nucleotide variant.
Coding change: c.5173A>G on transcript NM_004370.6 (MANE Select); coding-DNA position 5173, A replaced by G.
Protein change: p.Thr1725Ala; replaces threonine 1725 with alanine.
Molecular consequence: missense variant.
Genome position (GRCh38, 1-based): chr6:75,138,505, T>C on the plus strand (A>G on the coding strand, the complement: COL12A1 is on the minus strand). VCF-style: chr6-75138505-T-C. GRCh37 (hg19) VCF-style: chr6-75848221-T-C.
Other names: c.1681A>G, p.Thr561Ala (NM_080645.3); short protein forms T561A, T1725A.
Identifiers: ClinVar variation 2298819 (VCV002298819.6), dbSNP rs201904090, ClinGen allele CA140994571.